The following is an entry in ClinVar:

NM_004360.5(CDH1):c.2062del (p.Cys688fs)

Gene: CDH1 (cadherin 1; plus strand). Cytogenetic location: 16q22.1.
Variant type: Deletion.
Coding change: c.2062del on transcript NM_004360.5 (MANE Select); coding-DNA position 2062, one base deleted (T; older notation c.2062delT).
Protein change: p.Cys688fs; shifts the reading frame from cysteine 688.
Molecular consequence: frameshift variant.
Genome position (GRCh38, 1-based): chr16:68,823,524, T deleted. VCF-style (leftmost placement, unchanged base first): chr16-68823523-CT-C. GRCh37 (hg19) VCF-style: chr16-68857426-CT-C.
Other names: c.1879del, p.Cys627fs (NM_001317184.2); c.514del, p.Cys172fs (NM_001317185.2); c.97del, p.Cys33fs (NM_001317186.2); short protein forms C172fs, C33fs, C627fs, C688fs.
Identifiers: ClinVar variation 2502988 (VCV002502988.1), dbSNP rs2543945796, ClinGen allele CA2580612885.

ClinVar aggregate classification (germline): Likely pathogenic (1 of 4 stars; one submission).

Conditions:
Hereditary diffuse gastric adenocarcinoma (HDGC). Also called: DIFFUSE GASTRIC AND LOBULAR BREAST CANCER SYNDROME. Identifiers: Orphanet 26106, MedGen C1708349, MONDO:0007648, OMIM 137215.

Submission:

European Reference Network on Genetic Tumour Risk Syndromes (ERN-GENTURIS), i3s - Instituto de Investigação e Inovação em Saúde, University of Porto
Classification: Likely pathogenic for Hereditary diffuse gastric adenocarcinoma. Last evaluated: 2022-08-01. Review status: criteria provided, single submitter. Criteria: Lee et al. (Hum Mutat. 2018). Collection method: clinical testing. Allele origin: germline. Inheritance: Autosomal dominant inheritance. Affected: no. Study: ERN GENTURIS.
Comment: PVS1; PM2 (PMID: 30311375)

Literature cited by the submitters: PubMed 36436516.